The following is an entry in ClinVar:

NM_002473.6(MYH9):c.3797G>A (p.Arg1266His)

Gene: MYH9 (myosin heavy chain 9; minus strand). Cytogenetic location: 22q12.3.
Variant type: single nucleotide variant.
Coding change: c.3797G>A on transcript NM_002473.6 (MANE Select); coding-DNA position 3797, G replaced by A.
Protein change: p.Arg1266His; replaces arginine 1266 with histidine.
Molecular consequence: missense variant.
Genome position (GRCh38, 1-based): chr22:36,294,132, C>T on the plus strand (G>A on the coding strand, the complement: MYH9 is on the minus strand). VCF-style: chr22-36294132-C-T. GRCh37 (hg19) VCF-style: chr22-36690178-C-T.
Other names: short protein forms R1266H.
Identifiers: ClinVar variation 1309565 (VCV001309565.5), dbSNP rs375738970, ClinGen allele CA10209569.

ClinVar aggregate classification (germline): Conflicting classifications of pathogenicity. Review status: criteria provided, conflicting classifications (1 of 4 stars). 3 submissions from 3 submitters: Uncertain significance (2); Benign (1). Last evaluated 2026-01-06.

Conditions:
Inborn genetic diseases. Identifiers: MedGen C0950123, MeSH D030342.

Allele frequency attached by ClinVar (database versions not stated): gnomAD exomes 0.00001; TOPMed 0.00003; gnomAD 0.00001; ExAC 0.00002; ESP Exome Variant Server 0.00008.
gnomAD v4.1: 19 of 1,611,518 alleles (0.0012%); highest among the groups gnomAD compares: African/African-American, 0.008%; no homozygotes.

Submissions (3):

Labcorp Genetics (formerly Invitae), Labcorp
Classification: Benign. Last evaluated: 2026-01-06. Review status: criteria provided, single submitter. Criteria: Invitae Variant Classification Sherloc (09022015). Collection method: clinical testing. Allele origin: germline.

Ambry Genetics
Classification: Uncertain significance for Inborn genetic diseases. Last evaluated: 2024-04-20. Review status: criteria provided, single submitter. Criteria: Ambry Variant Classification Scheme 2023. Collection method: clinical testing. Allele origin: germline.

GeneDx
Classification: Uncertain significance. Last evaluated: 2020-11-06. Review status: criteria provided, single submitter. Criteria: GeneDx Variant Classification Process June 2021. Collection method: clinical testing. Allele origin: germline. Affected: yes.
Comment: In silico analysis, which includes protein predictors and evolutionary conservation, supports a deleterious effect; Has not been previously published as pathogenic or benign to our knowledge